The following is an entry in ClinVar:

NM_030624.3(KLHL15):c.1105C>T (p.Arg369Cys)

Gene: KLHL15 (kelch like family member 15; minus strand). Cytogenetic location: Xp22.11.
Variant type: single nucleotide variant.
Coding change: c.1105C>T on transcript NM_030624.3 (MANE Select); coding-DNA position 1105, C replaced by T.
Protein change: p.Arg369Cys; replaces arginine 369 with cysteine.
Molecular consequence: missense variant.
Genome position (GRCh38, 1-based): chrX:23,988,631, G>A on the plus strand (C>T on the coding strand, the complement: KLHL15 is on the minus strand). VCF-style: chrX-23988631-G-A. GRCh37 (hg19) VCF-style: chrX-24006748-G-A.
Other names: short protein forms R369C.
Identifiers: ClinVar variation 3340655 (VCV003340655.1).

ClinVar aggregate classification (germline): Pathogenic (1 of 4 stars; one submission).

Submission:

GeneDx
Classification: Pathogenic. Last evaluated: 2024-02-08. Review status: criteria provided, single submitter. Criteria: GeneDx Variant Classification Process June 2021. Collection method: clinical testing. Allele origin: germline. Affected: yes.
Comment: Not observed at significant frequency in large population cohorts (gnomAD); In silico analysis supports that this missense variant has a deleterious effect on protein structure/function; Has not been previously published as pathogenic or benign to our knowledge